The following is an entry in ClinVar:

NM_199242.3(UNC13D):c.2709+1G>T

Genes: UNC13D (unc-13 homolog D; minus strand), LOC112533672 (Sharpr-MPRA regulatory region 1193; plus strand). Cytogenetic location: 17q25.1.
Variant type: single nucleotide variant.
Coding change: c.2709+1G>T on transcript NM_199242.3 (MANE Select); the canonical splice donor site of the intron after coding-DNA position 2709, G replaced by T.
Molecular consequence: splice donor variant.
Genome position (GRCh38, 1-based): chr17:75,830,577, C>A on the plus strand (G>T on the coding strand, the complement: UNC13D is on the minus strand). VCF-style: chr17-75830577-C-A. GRCh37 (hg19) VCF-style: chr17-73826658-C-A.
Identifiers: ClinVar variation 2708452 (VCV002708452.3), dbSNP rs1555600214, ClinGen allele CA401080495.

ClinVar aggregate classification (germline): Pathogenic (1 of 4 stars; one submission).

Conditions:
Familial hemophagocytic lymphohistiocytosis 3 (FHL3). Also called: UNC13D-Related Familial Hemophagocytic Lymphohistiocytosis (UNC13D-fHLH). Identifiers: Orphanet 540, MedGen C1837174, MONDO:0012146, OMIM 608898.

Submission:

Labcorp Genetics (formerly Invitae), Labcorp
Classification: Pathogenic for Familial hemophagocytic lymphohistiocytosis 3. Last evaluated: 2024-01-09. Review status: criteria provided, single submitter. Criteria: Invitae Variant Classification Sherloc (09022015). Collection method: clinical testing. Allele origin: germline.
Comment: This sequence change affects a donor splice site in intron 28 of the UNC13D gene. It is expected to disrupt RNA splicing. Variants that disrupt the donor or acceptor splice site typically lead to a loss of protein function (PMID: 16199547), and loss-of-function variants in UNC13D are known to be pathogenic (PMID: 14622600). This variant is not present in population databases (gnomAD no frequency). Disruption of this splice site has been observed in individual(s) with hemophagocytic lymphohistiocytosis (PMID: 2978935, 21674762, 28353193, 29783935). In at least one individual the data is consistent with being in trans (on the opposite chromosome) from a pathogenic variant. Algorithms developed to predict the effect of sequence changes on RNA splicing suggest that this variant may disrupt the consensus splice site. For these reasons, this variant has been classified as Pathogenic.

Literature cited by the submitters: PubMed 16199547; PubMed 14622600; PubMed 2978935; PubMed 21674762; PubMed 28353193; PubMed 29783935.